The following is an entry in ClinVar:

NM_006073.4(TRDN):c.839G>A (p.Gly280Glu)

Gene: TRDN (triadin; minus strand). Cytogenetic location: 6q22.31.
Variant type: single nucleotide variant.
Coding change: c.839G>A on transcript NM_006073.4 (MANE Select); coding-DNA position 839, G replaced by A.
Protein change: p.Gly280Glu; replaces glycine 280 with glutamic acid.
Molecular consequence: missense variant. On other transcripts: intron variant (1).
Genome position (GRCh38, 1-based): chr6:123,497,207, C>T on the plus strand (G>A on the coding strand, the complement: TRDN is on the minus strand). VCF-style: chr6-123497207-C-T. GRCh37 (hg19) VCF-style: chr6-123818352-C-T.
Other names: c.839G>A, p.Gly280Glu (NM_001251987.2); c.793+6512G>A (NM_001256020.2); short protein forms G280E.
Identifiers: ClinVar variation 936852 (VCV000936852.11), dbSNP rs903971281, ClinGen allele CA365567265.

ClinVar aggregate classification (germline): Uncertain significance (1 of 4 stars; one submission).

Conditions:
Catecholaminergic polymorphic ventricular tachycardia 1. Also called: RYR2-Related Catecholaminergic Polymorphic Ventricular Tachycardia; VENTRICULAR TACHYCARDIA, CATECHOLAMINERGIC POLYMORPHIC, 1, WITH OR WITHOUT ATRIAL DYSFUNCTION AND/OR DILATED CARDIOMYOPATHY; VENTRICULAR TACHYCARDIA, STRESS-INDUCED POLYMORPHIC 1. Identifiers: Orphanet 3286, MedGen C1631597, MONDO:0011484, OMIM 604772.

Allele frequency attached by ClinVar (database versions not stated): TOPMed below 0.00001.

Submission:

Labcorp Genetics (formerly Invitae), Labcorp
Classification: Uncertain significance for Catecholaminergic polymorphic ventricular tachycardia 1. Last evaluated: 2019-06-26. Review status: criteria provided, single submitter. Criteria: Invitae Variant Classification Sherloc (09022015). Collection method: clinical testing. Allele origin: germline.
Comment: In summary, the available evidence is currently insufficient to determine the role of this variant in disease. Therefore, it has been classified as a Variant of Uncertain Significance. Algorithms developed to predict the effect of missense changes on protein structure and function are either unavailable or do not agree on the potential impact of this missense change (SIFT: "Tolerated"; PolyPhen-2: "Probably Damaging"; Align-GVGD: "Class C0"). This variant has not been reported in the literature in individuals with TRDN-related conditions. This variant is not present in population databases (ExAC no frequency). This sequence change replaces glycine with glutamic acid at codon 280 of the TRDN protein (p.Gly280Glu). The glycine residue is moderately conserved and there is a moderate physicochemical difference between glycine and glutamic acid.